The following is an entry in ClinVar:

NM_153448.4(ESX1):c.1024GGGCCGCCCATGGCGCCTCTGCCACCC[2] (p.342GPPMAPLPP[2])

Gene: ESX1 (ESX homeobox 1; minus strand). Cytogenetic location: Xq22.2.
Variant type: Microsatellite.
Coding change: c.1024GGGCCGCCCATGGCGCCTCTGCCACCC[2] on transcript NM_153448.4 (MANE Select); two copies in a row of the 27-base unit GGGCCGCCCATGGCGCCTCTGCCACCC starting at c.1024.
Protein change: p.342GPPMAPLPP[2].
Molecular consequence: inframe deletion.
Genome position: GRCh38, VCF-style position (the base before the change): chrX:104,250,317. GRCh37 (hg19), VCF-style position (the base before the change): chrX:103,494,998.
Identifiers: ClinVar variation 2661110 (VCV002661110.24), dbSNP rs1556393718, ClinGen allele CA643610714.

ClinVar aggregate classification (germline): Likely benign (1 of 4 stars; one submission).

Submission:

CeGaT Center for Human Genetics Tuebingen
Classification: Likely benign. Last evaluated: 2025-02-01. Review status: criteria provided, single submitter. Criteria: CeGaT Center For Human Genetics Tuebingen Variant Classification Criteria Version 2. Collection method: clinical testing. Allele origin: germline. Affected: yes. Observed: 2 variant alleles.
Comment: ESX1: PM4, BS2